The following is an entry in ClinVar:

NM_182961.4(SYNE1):c.17051C>T (p.Pro5684Leu)

Genes: SYNE1 (spectrin repeat containing nuclear envelope protein 1; minus strand), LOC126859837 (BRD4-independent group 4 enhancer GRCh37_chr6:152630775-152631974; plus strand). Cytogenetic location: 6q25.2.
Variant type: single nucleotide variant.
Coding change: c.17051C>T on transcript NM_182961.4 (MANE Select); coding-DNA position 17051, C replaced by T.
Protein change: p.Pro5684Leu; replaces proline 5684 with leucine.
Molecular consequence: missense variant.
Genome position (GRCh38, 1-based): chr6:152,309,986, G>A on the plus strand (C>T on the coding strand, the complement: SYNE1 is on the minus strand). VCF-style: chr6-152309986-G-A. GRCh37 (hg19) VCF-style: chr6-152631121-G-A.
Other names: c.16838C>T, p.Pro5613Leu (NM_033071.5); short protein forms P5613L, P5684L.
Identifiers: ClinVar variation 1807212 (VCV001807212.6), dbSNP rs754313756, ClinGen allele CA4055350.

ClinVar aggregate classification (germline): Uncertain significance. Review status: criteria provided, multiple submitters, no conflicts (2 of 4 stars). 3 submissions from 3 submitters: Uncertain significance (3). Last evaluated 2022-07-08.

Conditions:
Emery-Dreifuss muscular dystrophy 4, autosomal dominant (EDMD4). Also called: EMERY-DREIFUSS MUSCULAR DYSTROPHY 4 WITH VARIABLE FEATURES. Identifiers: Orphanet 261, MedGen C2751807, MONDO:0013071, OMIM 612998.
Autosomal recessive ataxia, Beauce type. Also called: SYNE1-Related Autosomal Recessive Cerebellar Ataxia; SYNE1 Deficiency; Spinocerebellar ataxia, autosomal recessive 8; ATAXIA, RECESSIVE, OF BEAUCE. Identifiers: Orphanet 88644, MedGen C1853116, MONDO:0012549, OMIM 610743.

Allele frequency attached by ClinVar (database versions not stated): ExAC 0.00006; TOPMed 0.00007.
gnomAD v4.1: 43 of 1,613,974 alleles (0.0027%); highest among the groups gnomAD compares: Admixed American, 0.033%; no homozygotes.

Submissions (3):

Athena Diagnostics
Classification: Uncertain significance. Last evaluated: 2022-07-08. Review status: criteria provided, single submitter. Criteria: Athena Diagnostics Criteria. Collection method: clinical testing. Allele origin: unknown.

Labcorp Genetics (formerly Invitae), Labcorp
Classification: Uncertain significance for Emery-Dreifuss muscular dystrophy 4, autosomal dominant; Autosomal recessive ataxia, Beauce type. Last evaluated: 2022-03-16. Review status: criteria provided, single submitter. Criteria: Invitae Variant Classification Sherloc (09022015). Collection method: clinical testing. Allele origin: germline.
Comment: This sequence change replaces proline, which is neutral and non-polar, with leucine, which is neutral and non-polar, at codon 5613 of the SYNE1 protein (p.Pro5613Leu). This variant is present in population databases (rs754313756, gnomAD 0.05%). This variant has not been reported in the literature in individuals affected with SYNE1-related conditions. Algorithms developed to predict the effect of missense changes on protein structure and function (SIFT, PolyPhen-2, Align-GVGD) all suggest that this variant is likely to be disruptive. In summary, the available evidence is currently insufficient to determine the role of this variant in disease. Therefore, it has been classified as a Variant of Uncertain Significance.

Revvity Omics, Revvity
Classification: Uncertain significance. Last evaluated: 2019-01-18. Review status: criteria provided, single submitter. Criteria: ACMG Guidelines, 2015. Collection method: clinical testing. Allele origin: germline.